The following is an entry in ClinVar:

NM_005378.6(MYCN):c.681C>T (p.Ala227=)

Gene: MYCN (MYCN proto-oncogene, bHLH transcription factor; plus strand). Cytogenetic location: 2p24.3.
Variant type: single nucleotide variant.
Coding change: c.681C>T on transcript NM_005378.6 (MANE Select); coding-DNA position 681, C replaced by T.
Protein change: p.Ala227=; no amino-acid change (alanine 227 retained).
Molecular consequence: synonymous variant. On other transcripts: 3 prime UTR variant (1), intron variant (1).
Genome position (GRCh38, 1-based): chr2:15,942,745, C>T. VCF-style: chr2-15942745-C-T. GRCh37 (hg19) VCF-style: chr2-16082867-C-T.
Other names: c.681C>T, p.Ala227= (NM_001293228.2); c.*616C>T (NM_001293233.2); c.157+2002C>T (NM_001293231.2).
Identifiers: ClinVar variation 385391 (VCV000385391.2), dbSNP rs768404232, ClinGen allele CA1538211.

ClinVar aggregate classification (germline): Likely benign. Review status: criteria provided, multiple submitters, no conflicts (2 of 4 stars). 2 submissions from 2 submitters: Likely benign (2). Last evaluated 2023-06-07.

Allele frequency attached by ClinVar (database versions not stated): gnomAD 0.00002 and 0.00005; TOPMed 0.00003; gnomAD exomes 0.00004 and 0.00012; ExAC 0.00013.

Submissions (2):

Blueprint Genetics
Classification: Likely benign. Last evaluated: 2023-06-07. Review status: criteria provided, single submitter. Criteria: ACMG Guidelines, 2015. Collection method: clinical testing. Allele origin: germline.

GeneDx
Classification: Likely benign. Last evaluated: 2016-04-14. Review status: criteria provided, single submitter. Criteria: GeneDx Variant Classification (06012015). Collection method: clinical testing. Allele origin: germline. Affected: yes.
Comment: This variant is considered likely benign or benign based on one or more of the following criteria: it is a conservative change, it occurs at a poorly conserved position in the protein, it is predicted to be benign by multiple in silico algorithms, and/or has population frequency not consistent with disease.